The following is an entry in ClinVar:

NM_000170.3(GLDC):c.2028C>T (p.Ile676=)

Gene: GLDC (glycine decarboxylase; minus strand). Cytogenetic location: 9p24.1.
Variant type: single nucleotide variant.
Coding change: c.2028C>T on transcript NM_000170.3 (MANE Select); coding-DNA position 2028, C replaced by T.
Protein change: p.Ile676=; no amino-acid change (isoleucine 676 retained).
Molecular consequence: synonymous variant.
Genome position (GRCh38, 1-based): chr9:6,558,583, G>A on the plus strand (C>T on the coding strand, the complement: GLDC is on the minus strand). VCF-style: chr9-6558583-G-A. GRCh37 (hg19) VCF-style: chr9-6558583-G-A.
Identifiers: ClinVar variation 913713 (VCV000913713.16), dbSNP rs372604935, ClinGen allele CA4980439.
Genomic context (GRCh38, chr9:6,558,583, plus strand): 5'-CCGGCCTCTCCCATCTGCTAAGGAGAAGACAAGTACCATGGCCTTGAGGTGAACTGCATC[G>A]ATATTCCCATATTTATCCACCTCCACAGGCTGAATCTTCATGCCTGCCATGTGGGCACTT-3'
Protein context (NP_000161.2, residues 666-686): QPVEVDKYGN[Ile676=]DAVHLKAMVD

ClinVar aggregate classification (germline): Conflicting classifications of pathogenicity. Review status: criteria provided, conflicting classifications (1 of 4 stars). 4 submissions from 4 submitters: Uncertain significance (1); Likely benign (2). 1 of the submissions does not count toward it. Last evaluated 2026-07-01.

Conditions:
GLDC-related disorder. Also called: GLDC-related condition.
Glycine encephalopathy. Also called: Non-ketotic hyperglycinemia; Nonketotic hyperglycinemia. Identifiers: Orphanet 407, MedGen C0751748, MONDO:0011612, HP:0008288.

Allele frequency attached by ClinVar (database versions not stated): TOPMed 0.00004; gnomAD 0.00006; ESP Exome Variant Server 0.00008.
gnomAD v4.1: 72 of 1,614,018 alleles (0.0045%); highest among the groups gnomAD compares: East Asian, 0.011%; no homozygotes.

Submissions (4):

CeGaT Center for Human Genetics Tuebingen
Classification: Likely benign. Last evaluated: 2026-07-01. Review status: criteria provided, single submitter. Criteria: CeGaT Center For Human Genetics Tuebingen Variant Classification Criteria Version 2. Collection method: clinical testing. Allele origin: germline. Affected: yes. Observed: 1 variant allele.
Comment: GLDC: BP4, BP7

Labcorp Genetics (formerly Invitae), Labcorp
Classification: Likely benign for Glycine encephalopathy. Last evaluated: 2025-12-28. Review status: criteria provided, single submitter. Criteria: Invitae Variant Classification Sherloc (09022015). Collection method: clinical testing. Allele origin: germline.

Illumina Laboratory Services, Illumina
Classification: Uncertain significance for Glycine encephalopathy 1. Last evaluated: 2018-03-16. Review status: criteria provided, single submitter. Criteria: ICSL Variant Classification Criteria 13 December 2019. Collection method: clinical testing. Allele origin: germline.

PreventionGenetics, part of Exact Sciences
Classification: Likely benign for GLDC-related condition. Last evaluated: 2019-08-29. Review status: no assertion criteria provided. Collection method: clinical testing. Allele origin: germline. Not counted in ClinVar's aggregate classification.
Comment: This variant is classified as likely benign based on ACMG/AMP sequence variant interpretation guidelines (Richards et al. 2015 PMID: 25741868, with internal and published modifications).